The following is an entry in ClinVar:

NM_001142800.2(EYS):c.6079-85A>G

Gene: EYS (eyes shut homolog; minus strand). Cytogenetic location: 6q12.
Variant type: single nucleotide variant.
Coding change: c.6079-85A>G on transcript NM_001142800.2 (MANE Select); 85 bases into the intron before coding-DNA position 6079, A replaced by G.
Molecular consequence: intron variant.
Genome position (GRCh38, 1-based): chr6:64,307,167, T>C on the plus strand (A>G on the coding strand, the complement: EYS is on the minus strand). VCF-style: chr6-64307167-T-C. GRCh37 (hg19) VCF-style: chr6-65017060-T-C.
Other names: c.6079-85A>G (NM_001292009.2).
Identifiers: ClinVar variation 1706651 (VCV001706651.2), dbSNP rs115236489, ClinGen allele CA140305302.

ClinVar aggregate classification (germline): Likely benign (1 of 4 stars; one submission).

Allele frequency attached by ClinVar (database versions not stated): 1000 Genomes Project 30x 0.01296; 1000 Genomes Project 0.01338; TOPMed 0.01414; gnomAD 0.01489; gnomAD exomes 0.02048.
gnomAD v4.1: 12,940 of 673,416 alleles (1.9%); highest among the groups gnomAD compares: Non-Finnish European, 2.3%; 156 homozygotes.

Submission:

GeneDx
Classification: Likely benign. Last evaluated: 2021-05-15. Review status: criteria provided, single submitter. Criteria: GeneDx Variant Classification Process June 2021. Collection method: clinical testing. Allele origin: germline. Affected: yes.
Comment: See Variant Classification Assertion Criteria.